The following is an entry in ClinVar:

NM_000455.5(STK11):c.1124A>C (p.Glu375Ala)

Gene: STK11 (serine/threonine kinase 11; plus strand). Cytogenetic location: 19p13.3.
Variant type: single nucleotide variant.
Coding change: c.1124A>C on transcript NM_000455.5 (MANE Select); coding-DNA position 1124, A replaced by C.
Protein change: p.Glu375Ala; replaces glutamic acid 375 with alanine.
Molecular consequence: missense variant. On other transcripts: non-coding transcript variant (1).
Genome position (GRCh38, 1-based): chr19:1,226,469, A>C. VCF-style: chr19-1226469-A-C. GRCh37 (hg19) VCF-style: chr19-1226468-A-C.
Other names: short protein forms E375A.
Identifiers: ClinVar variation 2810312 (VCV002810312.3), dbSNP rs1060499951, ClinGen allele CA402953199.

ClinVar aggregate classification (germline): Uncertain significance (1 of 4 stars; one submission).

Conditions:
Peutz-Jeghers syndrome (PJS). Also called: POLYPOSIS, HAMARTOMATOUS INTESTINAL; POLYPS-AND-SPOTS SYNDROME; Peutz-Jeghers polyposis; Periorificial lentiginosis syndrome. Identifiers: Orphanet 2869, MedGen C0031269, MeSH D010580, MONDO:0008280, OMIM 175200.

Submission:

Labcorp Genetics (formerly Invitae), Labcorp
Classification: Uncertain significance for Peutz-Jeghers syndrome. Last evaluated: 2022-10-28. Review status: criteria provided, single submitter. Criteria: Invitae Variant Classification Sherloc (09022015). Collection method: clinical testing. Allele origin: germline.
Comment: In summary, the available evidence is currently insufficient to determine the role of this variant in disease. Therefore, it has been classified as a Variant of Uncertain Significance. Advanced modeling of protein sequence and biophysical properties (such as structural, functional, and spatial information, amino acid conservation, physicochemical variation, residue mobility, and thermodynamic stability) performed at Invitae indicates that this missense variant is not expected to disrupt STK11 protein function. This variant has not been reported in the literature in individuals affected with STK11-related conditions. This variant is not present in population databases (gnomAD no frequency). This sequence change replaces glutamic acid, which is acidic and polar, with alanine, which is neutral and non-polar, at codon 375 of the STK11 protein (p.Glu375Ala).